The following is an entry in ClinVar:

ClinVar aggregate classification (germline): Conflicting classifications of pathogenicity. Review status: criteria provided, conflicting classifications (1 of 4 stars). 15 submissions from 15 submitters: Pathogenic (4); Likely pathogenic (7); Uncertain significance (1). 3 of the submissions do not count toward it. Last evaluated 2025-12-31.

Conditions:
MYBPC3-related disorder. Also called: MYBPC3-related disorders; MYBPC3-related condition; MYBPC3-related disease.
Cardiovascular phenotype. Identifiers: MedGen CN230736.
Cardiomyopathy (CMYO). Also called: Cardiomyopathies. Identifiers: Orphanet 167848, MedGen C0878544, MONDO:0004994, HP:0001638. Inheritance: Various modes of inheritance.
Hypertrophic cardiomyopathy 4. Also called: Familial hypertrophic cardiomyopathy 4. Identifiers: MedGen C1861862, MONDO:0007268, OMIM 115197.
Hypertrophic cardiomyopathy. Also called: HYPERTROPHIC MYOCARDIOPATHY. Identifiers: Orphanet 217569, MedGen C0007194, MeSH D002312, MONDO:0005045, HP:0001639.

Allele frequency attached by ClinVar (database versions not stated): gnomAD exomes below 0.00001; TOPMed below 0.00001; ExAC 0.00001.
gnomAD v4.1: 6 of 1,613,964 alleles (0.00037%); highest among the groups gnomAD compares: Admixed American, 0.0017%; no homozygotes.

Submissions (15):

PreventionGenetics, part of Exact Sciences
Classification: Likely pathogenic for MYBPC3-related condition. Last evaluated: 2025-12-31. Review status: criteria provided, single submitter. Criteria: ACMG Guidelines, 2015. Collection method: clinical testing. Allele origin: germline.
Comment: The MYBPC3 c.2458C>T variant is predicted to result in the amino acid substitution p.Arg820Trp. This variant has been reported in the homozygous or compound heterozygous states in individuals with hypertrophic cardiomyopathy (HCM) or left ventricular noncompaction (Ripoll Vera et al. 2010. PubMed ID: 20542340; Al-Makhamreh et al. 2022. PubMed ID: 33386538; Supplemental Table 2, Field et al. 2022. PubMed ID: 34400558). It has also been described in the heterozygous state in individuals with HCM (S2 Table, Mademont-Soler et al. 2017. PubMed ID: 28771489; Supplementary Table 2, Gal et al. 2021. PubMed ID: 34714385; Supplementary Table S9, Stava et al. 2022. PubMed ID: 35653365); however, heterozygous relatives of some affected individuals have been reported to be unaffected (Ripoll Vera et al. 2010. PubMed ID: 20542340). Experimental studies indicate this variant impacts protein function (Messer et al. 2017. PubMed ID: 28642712; Dutton et al. 2024. PubMed ID: 39388496). Other missense variants affecting the same amino acid (p.Arg820Gln, p.Arg820Pro) have also been reported in individuals with HCM (Konno et al. 2003. PubMed ID: 12628722; Supplementary Table S2, Sepp et al. 2022. PubMed ID: 35626289). This variant is reported in 0.0029% of alleles in individuals of Latino descent in gnomAD. This variant is interpreted as likely pathogenic.

Labcorp Genetics (formerly Invitae), Labcorp
Classification: Pathogenic for Hypertrophic cardiomyopathy. Last evaluated: 2025-11-10. Review status: criteria provided, single submitter. Criteria: Invitae Variant Classification Sherloc (09022015). Collection method: clinical testing. Allele origin: germline.
Comment: This sequence change replaces arginine, which is basic and polar, with tryptophan, which is neutral and slightly polar, at codon 820 of the MYBPC3 protein (p.Arg820Trp). The frequency data for this variant in the population databases is considered unreliable, as metrics indicate poor data quality at this position in the gnomAD database. This missense change has been observed in individuals with hypertrophic cardiomyopathy and/or left ventricular noncompaction (PMID: 20542340, 28771489, 33782553; internal data). ClinVar contains an entry for this variant (Variation ID: 195850). An algorithm developed to predict the effect of missense changes on protein structure and function (PolyPhen-2) suggests that this variant is likely to be disruptive. Experimental studies have shown that this missense change affects MYBPC3 function (PMID: 17521870, 24906243, 26776584). This variant disrupts the p.Arg820 amino acid residue in MYBPC3. Other variant(s) that disrupt this residue have been determined to be pathogenic (PMID: 12628722, 22112859, 22267749, 25281569). This suggests that this residue is clinically significant, and that variants that disrupt this residue are likely to be disease-causing. For these reasons, this variant has been classified as Pathogenic.

Genomic Medicine Center of Excellence, King Faisal Specialist Hospital and Research Centre
Classification: Pathogenic for Hypertrophic cardiomyopathy 4. Last evaluated: 2024-04-04. Review status: criteria provided, single submitter. Criteria: ACMG Guidelines, 2015. Collection method: clinical testing. Allele origin: germline.

Ambry Genetics
Classification: Likely pathogenic for Cardiovascular phenotype. Last evaluated: 2023-11-21. Review status: criteria provided, single submitter. Criteria: Ambry Variant Classification Scheme 2023. Collection method: clinical testing. Allele origin: germline.
Comment: The p.R820W variant (also known as c.2458C>T), located in coding exon 25 of the MYBPC3 gene, results from a C to T substitution at nucleotide position 2458. The arginine at codon 820 is replaced by tryptophan, an amino acid with dissimilar properties. This alteration has been reported in the heterozygous and homozygous states in individuals with hypertrophic cardiomyopathy (HCM); however, heterozygous relatives of the homozygous proband were reportedly unaffected (Ripoll Vera T et al, Int. J. Cardiol. 2010 Nov; 145(2):405-7; Mademont-Soler I et al. PLoS ONE, 2017 Aug;12:e0181465; Chung H et al. Cardiovasc Ultrasound, 2021 Jan;19:4; Stava TT et al. Eur J Prev Cardiol. 2022 Oct;29(13):1789-1799; Ambry internal data). The same alteration (p.R820W) has also been detected in ragdoll cats exhibiting HCM (Meurs KM et al. Genomics, 2007 Aug;90:261-4). Another alteration at the same codon, p.R820Q (c.2459G>A), has been detected in individuals with HCM (Konno T et al. J. Am. Coll. Cardiol., 2003 Mar;41:781-6). This amino acid position is highly conserved in available vertebrate species. In addition, this alteration is predicted to be deleterious by in silico analysis. Based on the majority of available evidence to date, this variant is likely to be pathogenic.

Color Diagnostics, LLC DBA Color Health
Classification: Likely pathogenic for Cardiomyopathy. Last evaluated: 2023-11-21. Review status: criteria provided, single submitter. Criteria: ACMG Guidelines, 2015. Collection method: clinical testing. Allele origin: germline.
Comment: This missense variant replaces arginine with tryptophan at codon 820 in the fibronectin type 3 domain C6 of the MYBPC3 protein. Computational prediction tools indicate that this variant's impact on protein structure and function is inconclusive. A functional study using a transgenic Drosophila model showed that this variant produced a phenotype consistent with hypertrophic cardiomyopathy (PMID: 33561224). This variant has been observed in both heterozygous and homozygous state in ragdoll cats affected with hypertrophic cardiomyopathy (PMID: 17521870); the clinical relevance of this observation is not known. This variant has been reported in the heterozygous state in at least 8 unrelated individuals affected with hypertrophic cardiomyopathy (PMID: 28771489, 33407484, 33782553, 34310159; ClinVar SCV000546424.8, SCV002738183.1). It has also been reported in the homozygous state in 2 individuals from one family affected with hypertrophic cardiomyopathy (PMID: 20542340) and in one individual affected with left ventricular noncompaction cardiomyopathy (PMID: 33386538). A different variant occurring at the same codon, p.Arg820Gln, is considered to be disease-causing (Clinvar variation ID: 8617), suggesting that arginine at this position is important for MYBPC3 protein function. This variant has been identified in 1/249210 chromosomes in the general population by the Genome Aggregation Database (gnomAD). Based on the available evidence, this variant is classified as Likely Pathogenic.

CHEO Genetics Diagnostic Laboratory, Children's Hospital of Eastern Ontario
Classification: Likely pathogenic for Cardiomyopathy. Last evaluated: 2021-09-03. Review status: criteria provided, single submitter. Criteria: ACMG Guidelines, 2015. Collection method: clinical testing. Allele origin: germline.

Breakthrough Genomics
Classification: Pathogenic for Hypertrophic cardiomyopathy 4. Last evaluated: 2020-07-12. Review status: criteria provided, single submitter. Criteria: ACMG Guidelines, 2015. Collection method: clinical testing. Allele origin: germline. Affected: yes.
Comment: This variant has been reported in the homozygous state in two related individuals affected with hypertrophic cardiomyopathy and left ventricular non-compaction; however, heterozygous carriers in this family were unaffected [PMID: 20542340]. Experimental studies have shown that felines with an equivalent variant develop hypertrophic cardiomyopathy [PMID: 17521870], however the clinical significance of this observation is uncertain. Another missense substitution at the same codon (p.Arg820Gln) has been reported as pathogenic [PMID: 12628722, 22112859, 22267749].

GeneDx
Classification: Likely pathogenic. Last evaluated: 2019-12-04. Review status: criteria provided, single submitter. Criteria: GeneDx Variant Classification Process June 2021. Collection method: clinical testing. Allele origin: germline. Affected: yes.
Comment: Reported in ClinVar (ClinVar Variant ID# 195850; Landrum et al., 2016); Not observed at a significant frequency in large population cohorts (Lek et al., 2016); In silico analysis, which includes protein predictors and evolutionary conservation, supports a deleterious effect; This variant is associated with the following publications: (PMID: 30284024, 19566849, 26776581, 28868097, 21147473, 26776585, 25622655, 26776584, 27076529, 26776595, 24602043, 21051304, 24906243, 23323744, 17521870, 21415409, 24447051, 29907873, 19035361, 29636697, 28642712, 28679633, 28771489, 20542340)

Blueprint Genetics
Classification: Likely pathogenic for MYBPC3-related disorders. Last evaluated: 2018-09-25. Review status: criteria provided, single submitter. Criteria: ACMG Guidelines, 2015. Collection method: clinical testing. Allele origin: germline. Affected: yes. Observed: 2 variant alleles.

Eurofins Ntd Llc (ga)
Classification: Uncertain significance. Last evaluated: 2015-05-04. Review status: criteria provided, single submitter. Criteria: EGL Classification Definitions 2015. Collection method: clinical testing. Allele origin: germline. Observed: 2 variant alleles, 2 heterozygotes.

Genome Diagnostics Laboratory, University Medical Center Utrecht
Classification: Pathogenic for Hypertrophic cardiomyopathy 4. Last evaluated: 2014-10-08. Review status: criteria provided, single submitter. Criteria: ACGS Guidelines, 2013. Collection method: clinical testing. Allele origin: germline. Affected: yes. Study: VKGL Data-share Consensus.

Clinical Genetics Service, Universitary Hospital 12 de Octubre
Classification: Likely pathogenic for Hypertrophic cardiomyopathy 4. Review status: criteria provided, single submitter. Criteria: ACMG Guidelines, 2015. Collection method: clinical testing. Allele origin: germline. Affected: yes.

Diagnostic Laboratory, Department of Genetics, University Medical Center Groningen
Classification: Likely pathogenic for Hypertrophic cardiomyopathy 4. Review status: no assertion criteria provided. Collection method: clinical testing. Allele origin: germline. Affected: yes. Study: VKGL Data-share Consensus. Not counted in ClinVar's aggregate classification.

Joint Genome Diagnostic Labs from Nijmegen and Maastricht, Radboudumc and MUMC+
Classification: Likely pathogenic. Review status: no assertion criteria provided. Collection method: clinical testing. Allele origin: germline. Affected: yes. Study: VKGL Data-share Consensus. Not counted in ClinVar's aggregate classification.

Mayo Clinic Laboratories, Mayo Clinic
Classification: Uncertain significance. Last evaluated: 2019-06-17. Review status: flagged submission. Criteria: ACMG Guidelines, 2015. Collection method: clinical testing. Allele origin: germline. Observed: 1 variant allele. Not counted in ClinVar's aggregate classification.
ClinVar note: Reason: Claim with insufficient supporting evidence

Literature cited by the submitters: PubMed 20542340 (cited by 3 submitters); PubMed 28771489 (cited by 3 submitters); PubMed 33782553 (cited by Labcorp Genetics (formerly Invitae), Labcorp and Color Diagnostics, LLC DBA Color Health); PubMed 17521870 (cited by 3 submitters); PubMed 24906243 (cited by Labcorp Genetics (formerly Invitae), Labcorp); PubMed 26776584 (cited by Labcorp Genetics (formerly Invitae), Labcorp); PubMed 12628722 (cited by Labcorp Genetics (formerly Invitae), Labcorp and Ambry Genetics); PubMed 22112859 (cited by Labcorp Genetics (formerly Invitae), Labcorp); PubMed 22267749 (cited by Labcorp Genetics (formerly Invitae), Labcorp); PubMed 25281569 (cited by Labcorp Genetics (formerly Invitae), Labcorp); PubMed 32731933 (cited by Ambry Genetics); PubMed 33407484 (cited by Ambry Genetics and Color Diagnostics, LLC DBA Color Health); PubMed 34400558 (cited by Ambry Genetics); PubMed 35653365 (cited by Ambry Genetics); PubMed 33386538 (cited by Color Diagnostics, LLC DBA Color Health); PubMed 33561224 (cited by Color Diagnostics, LLC DBA Color Health); PubMed 34310159 (cited by Color Diagnostics, LLC DBA Color Health).

NM_000256.3(MYBPC3):c.2458C>T (p.Arg820Trp)

Gene: MYBPC3 (myosin binding protein C3; minus strand). Cytogenetic location: 11p11.2.
Variant type: single nucleotide variant.
Coding change: c.2458C>T on transcript NM_000256.3 (MANE Select); coding-DNA position 2458, C replaced by T.
Protein change: p.Arg820Trp; replaces arginine 820 with tryptophan.
Molecular consequence: missense variant.
Genome position (GRCh38, 1-based): chr11:47,337,535, G>A on the plus strand (C>T on the coding strand, the complement: MYBPC3 is on the minus strand). VCF-style: chr11-47337535-G-A. GRCh37 (hg19) VCF-style: chr11-47359086-G-A.
Other names: c.2458C>T, p.Arg820Trp (LRG_386t1); short protein forms R820W.
Identifiers: ClinVar variation 195850 (VCV000195850.35), dbSNP rs775404728, ClinGen allele CA012317.
Genomic context (GRCh38, chr11:47,337,535, plus strand): 5'-CGCCCTCGATCATGCGCCGCGCTTCATGACTCAGCTCCTGAATCAGGTCGAAGTTCAGCC[G>A]CATCCACCGGTAGCTCTTCTTCTTCTTGCGCTCCAGGATGTAGCCTGGCTCAGGGGAGGT-3'
Protein context (NP_000247.2, residues 810-830): RKKKKSYRWM[Arg820Trp]LNFDLIQELS